The following is an entry in ClinVar:

ClinVar aggregate classification (germline): Uncertain significance. Review status: criteria provided, multiple submitters, no conflicts (2 of 4 stars). 2 submissions from 2 submitters: Uncertain significance (2). Last evaluated 2024-04-19.

Conditions:
Epidermolysis bullosa, junctional 7, with interstitial lung disease and nephrotic syndrome. Also called: Interstitial Lung Disease with Nephrotic Syndrome and Epidermolysis Bullosa; Interstitial lung disease, nephrotic syndrome, and epidermolysis bullosa, congenital. Identifiers: Orphanet 306504, MedGen C4518785, MONDO:0013881, OMIM 614748.

Allele frequency attached by ClinVar (database versions not stated): ESP Exome Variant Server 0.00031; gnomAD 0.00034 and 0.00036; 1000 Genomes Project 0.00060; gnomAD exomes 0.00011 and 0.00002; ExAC 0.00015; TOPMed 0.00039; 1000 Genomes Project 30x 0.00062.

Submissions (2):

Fulgent Genetics
Classification: Uncertain significance for Epidermolysis bullosa, junctional 7, with interstitial lung disease and nephrotic syndrome. Last evaluated: 2024-04-19. Review status: criteria provided, single submitter. Criteria: ACMG Guidelines, 2015. Collection method: clinical testing. Allele origin: germline.

Labcorp Genetics (formerly Invitae), Labcorp
Classification: Uncertain significance. Last evaluated: 2022-07-29. Review status: criteria provided, single submitter. Criteria: Invitae Variant Classification Sherloc (09022015). Collection method: clinical testing. Allele origin: germline.
Comment: This sequence change replaces serine, which is neutral and polar, with leucine, which is neutral and non-polar, at codon 663 of the ITGA3 protein (p.Ser663Leu). This variant is present in population databases (rs143134783, gnomAD 0.1%). This variant has not been reported in the literature in individuals affected with ITGA3-related conditions. ClinVar contains an entry for this variant (Variation ID: 1436463). Algorithms developed to predict the effect of missense changes on protein structure and function (SIFT, PolyPhen-2, Align-GVGD) all suggest that this variant is likely to be tolerated. In summary, the available evidence is currently insufficient to determine the role of this variant in disease. Therefore, it has been classified as a Variant of Uncertain Significance.

NM_002204.4(ITGA3):c.1988C>T (p.Ser663Leu)

Gene: ITGA3 (integrin subunit alpha 3; plus strand). Cytogenetic location: 17q21.33.
Variant type: single nucleotide variant.
Coding change: c.1988C>T on transcript NM_002204.4 (MANE Select); coding-DNA position 1988, C replaced by T.
Protein change: p.Ser663Leu; replaces serine 663 with leucine.
Molecular consequence: missense variant.
Genome position (GRCh38, 1-based): chr17:50,077,039, C>T. VCF-style: chr17-50077039-C-T. GRCh37 (hg19) VCF-style: chr17-48154403-C-T.
Other names: short protein forms S663L.
Identifiers: ClinVar variation 1436463 (VCV001436463.4), dbSNP rs143134783, ClinGen allele CA8641773.
Genomic context (GRCh38, chr17:50,077,039, plus strand): 5'-AGTACAGCAGAGACGTCCGGAAATTGCTCCTGAGCATCAACGTGACGAACACCCGGACCT[C>T]GGAGCGCTCCGGGGAGGACGCCCACGAGGCGCTGCTCACCCTGGTGGTGCCTCCCGCCCT-3'
Protein context (NP_002195.1, residues 653-673): LSINVTNTRT[Ser663Leu]ERSGEDAHEA